The following is an entry in ClinVar:

NM_000512.5(GALNS):c.633+138C>A

Gene: GALNS (galactosamine (N-acetyl)-6-sulfatase; minus strand). Cytogenetic location: 16q24.3.
Variant type: single nucleotide variant.
Coding change: c.633+138C>A on transcript NM_000512.5 (MANE Select); 138 bases into the intron after coding-DNA position 633, C replaced by A.
Molecular consequence: intron variant.
Genome position (GRCh38, 1-based): chr16:88,836,063, G>T on the plus strand (C>A on the coding strand, the complement: GALNS is on the minus strand). VCF-style: chr16-88836063-G-T. GRCh37 (hg19) VCF-style: chr16-88902471-G-T.
Other names: c.78+138C>A (NM_001323543.2); c.651+138C>A (NM_001323544.2).
Identifiers: ClinVar variation 684017 (VCV000684017.1), dbSNP rs2269335, ClinGen allele CA14258011.
Genomic context (GRCh38, chr16:88,836,063, plus strand): 5'-ACGCGTCCCACGGGGCGAGGATGGTGCGGTCCCCGTCCCCACGCGTCCCACGGGGCGAGG[G>T]TGATGAGGTCCCTGAACCCATGCCTCCCACGGGGTGAGGTTGATGCATTCCTGTCCCCAC-3'

ClinVar aggregate classification (germline): Benign (1 of 4 stars; one submission).

Allele frequency attached by ClinVar (database versions not stated): gnomAD 0.37886 and 0.38388; TOPMed 0.39818; 1000 Genomes Project 0.45367.
gnomAD v4.1: 366,307 of 1,034,072 alleles (35%); highest among the groups gnomAD compares: East Asian, 62%; 72,792 homozygotes.

Submission:

GeneDx
Classification: Benign. Last evaluated: 2018-06-19. Review status: criteria provided, single submitter. Criteria: GeneDx Variant Classification (06012015). Collection method: clinical testing. Allele origin: germline. Affected: yes.
Comment: This variant is considered likely benign or benign based on one or more of the following criteria: it is a conservative change, it occurs at a poorly conserved position in the protein, it is predicted to be benign by multiple in silico algorithms, and/or has population frequency not consistent with disease.